The following is an entry in ClinVar:

ClinVar aggregate classification (germline): Conflicting classifications of pathogenicity. Review status: criteria provided, conflicting classifications (1 of 4 stars). 3 submissions from 3 submitters: Uncertain significance (1); Likely benign (2). Last evaluated 2025-03-16.

Conditions:
Cardiomyopathy (CMYO). Also called: Cardiomyopathies. Identifiers: Orphanet 167848, MedGen C0878544, MONDO:0004994, HP:0001638. Inheritance: Various modes of inheritance.
Catecholaminergic polymorphic ventricular tachycardia 1. Also called: VENTRICULAR TACHYCARDIA, CATECHOLAMINERGIC POLYMORPHIC, 1, WITH OR WITHOUT ATRIAL DYSFUNCTION AND/OR DILATED CARDIOMYOPATHY; VENTRICULAR TACHYCARDIA, STRESS-INDUCED POLYMORPHIC 1; RYR2-Related Catecholaminergic Polymorphic Ventricular Tachycardia. Identifiers: Orphanet 3286, MedGen C1631597, MONDO:0011484, OMIM 604772.
Catecholaminergic polymorphic ventricular tachycardia (CVPT). Also called: Catecholamine-induced polymorphic ventricular tachycardia. Identifiers: Orphanet 3286, MedGen C5574922, MONDO:0017990.

Allele frequency attached by ClinVar (database versions not stated): gnomAD 0.00001; gnomAD exomes 0.00001 and 0.00002; TOPMed 0.00002.
gnomAD v4.1: 9 of 1,611,052 alleles (0.00056%); highest among the groups gnomAD compares: Admixed American, 0.005%; no homozygotes.

Submissions (3):

Labcorp Genetics (formerly Invitae), Labcorp
Classification: Uncertain significance for Catecholaminergic polymorphic ventricular tachycardia 1. Last evaluated: 2025-03-16. Review status: criteria provided, single submitter. Criteria: Invitae Variant Classification Sherloc (09022015). Collection method: clinical testing. Allele origin: germline.
Comment: This sequence change falls in intron 50 of the RYR2 gene. It does not directly change the encoded amino acid sequence of the RYR2 protein. It affects a nucleotide within the consensus splice site. This variant is present in population databases (no rsID available, gnomAD 0.01%). This variant has not been reported in the literature in individuals affected with RYR2-related conditions. ClinVar contains an entry for this variant (Variation ID: 926199). Variants that disrupt the consensus splice site are a relatively common cause of aberrant splicing (PMID: 17576681, 9536098). Algorithms developed to predict the effect of sequence changes on RNA splicing suggest that this variant is not likely to affect RNA splicing. In summary, the available evidence is currently insufficient to determine the role of this variant in disease. Therefore, it has been classified as a Variant of Uncertain Significance.

All of Us Research Program, National Institutes of Health
Classification: Likely benign for Catecholaminergic polymorphic ventricular tachycardia. Last evaluated: 2023-10-02. Review status: criteria provided, single submitter. Criteria: ACMG Guidelines, 2015. Collection method: clinical testing. Allele origin: germline. Inheritance: Autosomal dominant inheritance. Observed: 1 variant allele, 1 heterozygote.
Comment: This study involves interpretation of variants in research participants for the purpose of population health screening. Participant phenotype was not available at the time of variant classification. Additional details can be found in publication PMID: 35346344, PMCID: PMC8962531

Color Diagnostics, LLC DBA Color Health
Classification: Likely benign for Cardiomyopathy. Last evaluated: 2020-03-17. Review status: criteria provided, single submitter. Criteria: ACMG Guidelines, 2015. Collection method: clinical testing. Allele origin: germline.

Literature cited by the submitters: PubMed 17576681 (cited by Labcorp Genetics (formerly Invitae), Labcorp); PubMed 9536098 (cited by Labcorp Genetics (formerly Invitae), Labcorp).

NM_001035.3(RYR2):c.7733+3G>A

Gene: RYR2 (ryanodine receptor 2; plus strand). Cytogenetic location: 1q43.
Variant type: single nucleotide variant.
Coding change: c.7733+3G>A on transcript NM_001035.3 (MANE Select); 3 bases into the intron after coding-DNA position 7733, G replaced by A.
Molecular consequence: intron variant.
Genome position (GRCh38, 1-based): chr1:237,650,100, G>A. VCF-style: chr1-237650100-G-A. GRCh37 (hg19) VCF-style: chr1-237813400-G-A.
Identifiers: ClinVar variation 926199 (VCV000926199.11), dbSNP rs1014182598, ClinGen allele CA39798165.